The following is an entry in ClinVar:

NM_000038.6(APC):c.5957C>T (p.Pro1986Leu)

Gene: APC (APC regulator of Wnt signaling pathway; plus strand). Cytogenetic location: 5q22.2.
Variant type: single nucleotide variant.
Coding change: c.5957C>T on transcript NM_000038.6 (MANE Select); coding-DNA position 5957, C replaced by T.
Protein change: p.Pro1986Leu; replaces proline 1986 with leucine.
Molecular consequence: missense variant.
Genome position (GRCh38, 1-based): chr5:112,841,551, C>T. VCF-style: chr5-112841551-C-T. GRCh37 (hg19) VCF-style: chr5-112177248-C-T.
Other names: c.5957C>T, p.Pro1986Leu (NM_001127510.3, NM_001354895.2); c.5903C>T, p.Pro1968Leu (NM_001127511.3); c.6011C>T, p.Pro2004Leu (NM_001354896.2); c.5987C>T, p.Pro1996Leu (NM_001354897.2); c.5882C>T, p.Pro1961Leu (NM_001354898.2); c.5873C>T, p.Pro1958Leu (NM_001354899.2); c.5834C>T, p.Pro1945Leu (NM_001354900.2); c.5780C>T, p.Pro1927Leu (NM_001354901.2); and 5 more; short protein forms P1986L, P1968L, P1885L, P1927L, P1958L, P1996L, P1703L, P1826L.
Identifiers: ClinVar variation 411389 (VCV000411389.27), dbSNP rs756266694, ClinGen allele CA043504.

ClinVar aggregate classification (germline): Conflicting classifications of pathogenicity. Review status: criteria provided, conflicting classifications (1 of 4 stars). 11 submissions from 11 submitters: Uncertain significance (8); Likely benign (2). 1 of the submissions does not count toward it. Last evaluated 2026-01-07.

Conditions:
Classic or attenuated familial adenomatous polyposis. Identifiers: MedGen CN372698, MONDO:0021057.
Familial adenomatous polyposis 1 (FAP1). Also called: FAMILIAL ADENOMATOUS POLYPOSIS 1, ATTENUATED; POLYPOSIS, ADENOMATOUS INTESTINAL. Identifiers: MedGen C2713442, MONDO:0021056, OMIM 175100. Disease mechanism: loss of function.
Hereditary cancer-predisposing syndrome. Also called: Tumor predisposition; Hereditary Cancer Syndrome; Hereditary neoplastic syndrome; Neoplastic Syndromes, Hereditary. Identifiers: Orphanet 140162, MedGen C0027672, MeSH D009386, MONDO:0015356.

Allele frequency attached by ClinVar (database versions not stated): gnomAD exomes below 0.00001 and 0.00001; ExAC 0.00001; gnomAD 0.00002; TOPMed 0.00002.
gnomAD v4.1: 11 of 1,613,766 alleles (0.00068%); highest among the groups gnomAD compares: African/African-American, 0.008%; no homozygotes.

Submissions (11):

Labcorp Genetics (formerly Invitae), Labcorp
Classification: Uncertain significance for Familial adenomatous polyposis 1. Last evaluated: 2026-01-07. Review status: criteria provided, single submitter. Criteria: Invitae Variant Classification Sherloc (09022015). Collection method: clinical testing. Allele origin: germline.
Comment: This sequence change replaces proline, which is neutral and non-polar, with leucine, which is neutral and non-polar, at codon 1986 of the APC protein (p.Pro1986Leu). This variant is present in population databases (rs756266694, gnomAD 0.01%). This missense change has been observed in individual(s) with clinical features of APC-related conditions (internal data). ClinVar contains an entry for this variant (Variation ID: 411389). Invitae Evidence Modeling of protein sequence and biophysical properties (such as structural, functional, and spatial information, amino acid conservation, physicochemical variation, residue mobility, and thermodynamic stability) indicates that this missense variant is not expected to disrupt APC protein function with a negative predictive value of 95%. In summary, the available evidence is currently insufficient to determine the role of this variant in disease. Therefore, it has been classified as a Variant of Uncertain Significance.

Quest Diagnostics Nichols Institute San Juan Capistrano
Classification: Uncertain significance. Last evaluated: 2025-09-24. Review status: criteria provided, single submitter. Criteria: Quest Diagnostics criteria. Collection method: clinical testing. Allele origin: unknown.
Comment: The APC c.5957C>T (p.Pro1986Leu) variant has been reported in the published literature in an individual with colorectal cancer (PMID: 29245953 (2017)) and in an individual with osteosarcoma (PMID: 26580448 (2015)). The frequency of this variant in the general population (Genome Aggregation Database) is uninformative in the assessment of its pathogenicity. Analysis of this variant using bioinformatics tools for the prediction of the effect of amino acid changes on protein structure and function yielded predictions that this variant is benign. Based on the available information, we are unable to determine the clinical significance of this variant.

Color Diagnostics, LLC DBA Color Health
Classification: Likely benign for Hereditary cancer-predisposing syndrome. Last evaluated: 2025-03-24. Review status: criteria provided, single submitter. Criteria: ACMG Guidelines, 2015. Collection method: clinical testing. Allele origin: germline.

Women's Health and Genetics/Laboratory Corporation of America, LabCorp
Classification: Uncertain significance. Last evaluated: 2023-11-20. Review status: criteria provided, single submitter. Criteria: LabCorp Variant Classification Summary - May 2015. Collection method: clinical testing. Allele origin: germline.
Comment: Variant summary: APC c.5957C>T (p.Pro1986Leu) results in a non-conservative amino acid change in the encoded protein sequence. Three of five in-silico tools predict a damaging effect of the variant on protein function. The variant allele was found at a frequency of 8e-06 in 250354 control chromosomes. The available data on variant occurrences in the general population are insufficient to allow any conclusion about variant significance. c.5957C>T has been reported in the literature in an individual affected with osteosarcoma (Zhang_2015). This report does not provide unequivocal conclusions about association of the variant with Familial Adenomatous Polyposis. To our knowledge, no experimental evidence demonstrating an impact on protein function has been reported. The following publication have been ascertained in the context of this evaluation (PMID: 26580448). Eight submitters have cited clinical-significance assessments for this variant to ClinVar after 2014: seven submitters classified the variant as VUS while one classified the variant as likely benign. Based on the evidence outlined above, the variant was classified as uncertain significance.

All of Us Research Program, National Institutes of Health
Classification: Uncertain significance for Classic or attenuated familial adenomatous polyposis. Last evaluated: 2023-08-15. Review status: criteria provided, single submitter. Criteria: ACMG Guidelines, 2015. Collection method: clinical testing. Allele origin: germline. Inheritance: Autosomal dominant inheritance. Observed: 2 variant alleles, 2 heterozygotes.
Comment: This missense variant replaces proline with leucine at codon 1986 of the APC protein. Computational prediction suggests that this variant may not impact protein structure and function (internally defined REVEL score threshold <= 0.5, PMID: 27666373). To our knowledge, functional studies have not been reported for this variant. This variant has been reported in an individual affected with osteosarcoma with a truncation variant in FANCL (PMID: 26580448). This variant has been identified in 2/250354 chromosomes in the general population by the Genome Aggregation Database (gnomAD). The available evidence is insufficient to determine the role of this variant in disease conclusively. Therefore, this variant is classified as a Variant of Uncertain Significance.

This study involves interpretation of variants in research participants for the purpose of population health screening. Participant phenotype was not available at the time of variant classification. Additional details can be found in publication PMID: 35346344, PMCID: PMC8962531

Myriad Genetics, Inc.
Classification: Uncertain significance for Familial adenomatous polyposis 1. Last evaluated: 2023-02-14. Review status: criteria provided, single submitter. Criteria: Myriad Autosomal Dominant, Autosomal Recessive and X-Linked Classification Criteria (2023). Collection method: clinical testing. Allele origin: unknown.
Comment: This variant is classified as a variant of uncertain significance as there is insufficient evidence to determine its impact on protein function and/or cancer risk.

GeneDx
Classification: Uncertain significance. Last evaluated: 2023-01-30. Review status: criteria provided, single submitter. Criteria: GeneDx Variant Classification Process June 2021. Collection method: clinical testing. Allele origin: germline. Affected: yes.
Comment: Not observed at significant frequency in large population cohorts (gnomAD); In silico analysis supports that this missense variant does not alter protein structure/function; Observed in an individual with osteosarcoma who also harbored variants in other genes (Zhang et al., 2015); This variant is associated with the following publications: (PMID: 31395942, 18199528, 26580448)

Sema4
Classification: Uncertain significance for Hereditary cancer-predisposing syndrome. Last evaluated: 2022-01-18. Review status: criteria provided, single submitter. Criteria: Sema4 Curation Guidelines. Collection method: curation. Allele origin: germline.
Comment: The APC c.5957C>T (p.P1986L) variant has been reported in heterozygosity in 1 individual with osteosarcoma with a truncation variant in FANCL (PMID: 26580448). This variant was observed in 2/15936 chromosomes in the African/African American population, according to the Genome Aggregation Database (PMID: 32461654). This variant has been reported in ClinVar (Variation ID: 411389). Functional studies have not been performed, and in silico predictions of the variant's effect on protein function are inconclusive. The overall evidence is inconsistent with ACMG/AMP requirements for a classification of benign or pathogenic. In summary, the clinical significance of this variant is currently uncertain.

Ambry Genetics
Classification: Likely benign for Hereditary cancer-predisposing syndrome. Last evaluated: 2020-09-22. Review status: criteria provided, single submitter. Criteria: Ambry Variant Classification Scheme 2023. Collection method: clinical testing. Allele origin: germline.

Baylor Genetics
Classification: Uncertain significance for Familial adenomatous polyposis 1. Last evaluated: 2020-01-07. Review status: criteria provided, single submitter. Criteria: ACMG Guidelines, 2015. Collection method: clinical testing. Allele origin: paternal. Affected: yes. Study: CSER-TexasKidsCanSeq.
Comment: This variant was determined to be of uncertain significance according to ACMG Guidelines, 2015 [PMID:25741868].

Counsyl
Classification: Uncertain significance for Familial adenomatous polyposis 1. Last evaluated: 2018-03-27. Review status: no assertion criteria provided. Collection method: clinical testing. Allele origin: unknown. Not counted in ClinVar's aggregate classification.

Literature cited by the submitters: PubMed 29245953 (cited by Quest Diagnostics Nichols Institute San Juan Capistrano); PubMed 26580448 (cited by 6 submitters).